The following is an entry in ClinVar:

ClinVar aggregate classification (germline): Benign/Likely benign. Review status: criteria provided, multiple submitters, no conflicts (2 of 4 stars). 15 submissions from 14 submitters: Benign (11); Likely benign (1). 3 of the submissions do not count toward it. Last evaluated 2026-02-01.

Conditions:
Ehlers-Danlos syndrome (EDS). Identifiers: Orphanet 98249, MedGen C0013720, MONDO:0020066.
Familial thoracic aortic aneurysm and aortic dissection (TAAD). Also called: Thoracic aortic aneurysms and dissections. Identifiers: Orphanet 91387, MedGen C4707243, MONDO:0019625.
Congenital contractural arachnodactyly (CCA). Also called: Arthrogryposis, distal, type 9; Beals-Hecht syndrome; BEALS SYNDROME. Identifiers: Orphanet 115, MedGen C0220668, MONDO:0007363, OMIM 121050.
Connective tissue disorder. Also called: Connective tissue disease. Identifiers: MedGen C0009782, MONDO:0003900.
Macular degeneration, early-onset (EOMD). Identifiers: MedGen C4015286, MONDO:0014501, OMIM 616118.

Allele frequency attached by ClinVar (database versions not stated): gnomAD exomes 0.00217; ExAC 0.00258; gnomAD 0.00829 and 0.00887; TOPMed 0.00908; 1000 Genomes Project 0.00938; ESP Exome Variant Server 0.01038; 1000 Genomes Project 30x 0.01093.
gnomAD v4.1: 2,628 of 1,612,352 alleles (0.16%); highest among the groups gnomAD compares: African/African-American, 2.9%; 39 homozygotes.

Submissions (15):

Labcorp Genetics (formerly Invitae), Labcorp
Classification: Benign for Congenital contractural arachnodactyly. Last evaluated: 2026-02-01. Review status: criteria provided, single submitter. Criteria: Invitae Variant Classification Sherloc (09022015). Collection method: clinical testing. Allele origin: germline.

ARUP Laboratories, Molecular Genetics and Genomics, ARUP Laboratories
Classification: Benign. Last evaluated: 2025-03-11. Review status: criteria provided, single submitter. Criteria: ARUP Molecular Germline Variant Investigation Process 2024. Collection method: clinical testing. Allele origin: germline.

Blueprint Genetics
Classification: Likely benign. Last evaluated: 2024-11-11. Review status: criteria provided, single submitter. Criteria: ACMG Guidelines, 2015. Collection method: clinical testing. Allele origin: germline.

Women's Health and Genetics/Laboratory Corporation of America, LabCorp
Classification: Benign. Last evaluated: 2023-07-21. Review status: criteria provided, single submitter. Criteria: LabCorp Variant Classification Summary - May 2015. Collection method: clinical testing. Allele origin: germline.

Mayo Clinic Laboratories, Mayo Clinic
Classification: Benign. Last evaluated: 2022-12-14. Review status: criteria provided, single submitter. Criteria: ACMG Guidelines, 2015. Collection method: clinical testing. Allele origin: germline. Observed: 4 variant alleles.
Comment: BS1, BS2

Genome Diagnostics Laboratory, The Hospital for Sick Children
Classification: Benign for Ehlers-Danlos syndrome. Last evaluated: 2021-11-01. Review status: criteria provided, single submitter. Criteria: ACMG Guidelines, 2015. Collection method: clinical testing. Allele origin: germline.

Genome Diagnostics Laboratory, The Hospital for Sick Children
Classification: Benign for Connective tissue disorder. Last evaluated: 2021-11-01. Review status: criteria provided, single submitter. Criteria: ACMG Guidelines, 2015. Collection method: clinical testing. Allele origin: germline.

Fulgent Genetics
Classification: Benign for Congenital contractural arachnodactyly; Macular degeneration, early-onset. Last evaluated: 2021-09-14. Review status: criteria provided, single submitter. Criteria: ACMG Guidelines, 2015. Collection method: clinical testing. Allele origin: unknown.

Illumina Laboratory Services, Illumina
Classification: Benign for Congenital contractural arachnodactyly. Last evaluated: 2018-01-12. Review status: criteria provided, single submitter. Criteria: ICSL Variant Classification Criteria 13 December 2019. Collection method: clinical testing. Allele origin: germline.
Comment: This variant was observed in the ICSL laboratory as part of a predisposition screen in an ostensibly healthy population. It had not been previously curated by ICSL or reported in the Human Gene Mutation Database (HGMD: prior to June 1st, 2018), and was therefore a candidate for classification through an automated scoring system. Utilizing variant allele frequency, disease prevalence and penetrance estimates, and inheritance mode, an automated score was calculated to assess if this variant is too frequent to cause the disease. Based on the score and internal cut-off values, a variant classified as benign is not then subjected to further curation. The score for this variant resulted in a classification of benign for this disease.

Ambry Genetics
Classification: Benign for Familial thoracic aortic aneurysm and aortic dissection. Last evaluated: 2015-07-07. Review status: criteria provided, single submitter. Criteria: Ambry Variant Classification Scheme 2023. Collection method: clinical testing. Allele origin: germline.

GeneDx
Classification: Benign. Last evaluated: 2013-03-14. Review status: criteria provided, single submitter. Criteria: GeneDx Variant Classification (06012015). Collection method: clinical testing. Allele origin: germline. Affected: yes.
Comment: This variant is considered likely benign or benign based on one or more of the following criteria: it is a conservative change, it occurs at a poorly conserved position in the protein, it is predicted to be benign by multiple in silico algorithms, and/or has population frequency not consistent with disease.

PreventionGenetics, part of Exact Sciences
Classification: Benign. Review status: criteria provided, single submitter. Criteria: ACMG Guidelines, 2015. Collection method: clinical testing. Allele origin: germline.

Genetic Services Laboratory, University of Chicago
Classification: Likely benign for AllHighlyPenetrant. Review status: no assertion criteria provided. Collection method: clinical testing. Allele origin: germline. Inheritance: Autosomal dominant inheritance. Not counted in ClinVar's aggregate classification.
Comment: Likely benign based on allele frequency in 1000 Genomes Project or ESP global frequency and its presence in a patient with a rare or unrelated disease phenotype. NOT Sanger confirmed.

Genome Diagnostics Laboratory, Amsterdam University Medical Center
Classification: Benign. Review status: no assertion criteria provided. Collection method: clinical testing. Allele origin: germline. Affected: yes. Study: VKGL Data-share Consensus. Not counted in ClinVar's aggregate classification.

Laboratory of Diagnostic Genome Analysis, Leiden University Medical Center (LUMC)
Classification: Likely benign. Review status: no assertion criteria provided. Collection method: clinical testing. Allele origin: germline. Affected: yes. Study: VKGL Data-share Consensus. Not counted in ClinVar's aggregate classification.

NM_001999.4(FBN2):c.1466-5C>T

Gene: FBN2 (fibrillin 2; minus strand). Cytogenetic location: 5q23.3.
Variant type: single nucleotide variant.
Coding change: c.1466-5C>T on transcript NM_001999.4 (MANE Select); 5 bases into the intron before coding-DNA position 1466, C replaced by T.
Molecular consequence: intron variant.
Genome position (GRCh38, 1-based): chr5:128,392,160, G>A on the plus strand (C>T on the coding strand, the complement: FBN2 is on the minus strand). VCF-style: chr5-128392160-G-A. GRCh37 (hg19) VCF-style: chr5-127727853-G-A.
Other names: p.?.
Identifiers: ClinVar variation 129035 (VCV000129035.40), dbSNP rs28763952, ClinGen allele CA288811.
Genomic context (GRCh38, chr5:128,392,160, plus strand): 5'-ATTTAAACAAAGGTTAGCATGATGCTTACAGATATCTATTGTCTGGTTCAGAATTGCTAC[G>A]GAAAATTAAAGCACAATTATATTTAATCATTACAACATGCATTACTTTTCTGAATTGATT-3'